The following is an entry in ClinVar:

NM_001042492.3(NF1):c.5502del (p.Gln1835fs)

Gene: NF1 (neurofibromin 1; plus strand). Cytogenetic location: 17q11.2.
Variant type: Deletion.
Coding change: c.5502del on transcript NM_001042492.3 (MANE Select); coding-DNA position 5502, one base deleted (A; older notation c.5502delA).
Protein change: p.Gln1835fs; shifts the reading frame from glutamine 1835.
Molecular consequence: frameshift variant.
Genome position (GRCh38, 1-based): chr17:31,327,732, A deleted. VCF-style (leftmost placement, unchanged base first): chr17-31327731-CA-C. GRCh37 (hg19) VCF-style: chr17-29654749-CA-C.
Other names: c.5439delA, p.Gln1814Serfs (NM_000267.4); short protein forms Q1835fs, Q1814fs.
Identifiers: ClinVar variation 3641941 (VCV003641941.2).

ClinVar aggregate classification (germline): Pathogenic (1 of 4 stars; one submission).

Conditions:
Neurofibromatosis, type 1 (NF1). Also called: Peripheral type neurofibromatosis; VON RECKLINGHAUSEN DISEASE; Neurofibromatosis, type I; NEUROFIBROMATOSIS, TYPE I, SOMATIC. Identifiers: Orphanet 636, MedGen C0027831, MONDO:0018975, OMIM 162200. Disease mechanism: loss of function.

Submission:

Labcorp Genetics (formerly Invitae), Labcorp
Classification: Pathogenic for Neurofibromatosis, type 1. Last evaluated: 2024-02-19. Review status: criteria provided, single submitter. Criteria: Invitae Variant Classification Sherloc (09022015). Collection method: clinical testing. Allele origin: germline.
Comment: This sequence change creates a premature translational stop signal (p.Gln1814Serfs*28) in the NF1 gene. It is expected to result in an absent or disrupted protein product. Loss-of-function variants in NF1 are known to be pathogenic (PMID: 10712197, 23913538). This variant is not present in population databases (gnomAD no frequency). This variant has not been reported in the literature in individuals affected with NF1-related conditions. For these reasons, this variant has been classified as Pathogenic.

Literature cited by the submitters: PubMed 10712197; PubMed 23913538.